The following is an entry in ClinVar:

NM_000330.4(RS1):c.627_638del (p.Ile210_Arg213del)

Genes: CDKL5 (cyclin dependent kinase like 5; plus strand), RS1 (retinoschisin 1; minus strand). Cytogenetic location: Xp22.13.
Variant type: Deletion.
Coding change: c.627_638del on transcript NM_000330.4 (MANE Select); coding-DNA positions 627 to 638, 12 bases deleted (CATTGCCATCCG).
Protein change: p.Ile210_Arg213del.
Molecular consequence: inframe deletion. On other transcripts: intron variant (2).
Genome position (GRCh38, 1-based): chrX:18,642,041-18,642,052, CGGATGGCAATG deleted on the plus strand (CATTGCCATCCG on the coding strand, the reverse complement: RS1 is on the minus strand); deleting any 12 consecutive bases within chrX:18,642,041-18,642,056 gives the same sequence; the c. name uses the placement nearest the transcript's 3' end. VCF-style (leftmost placement, unchanged base first): chrX-18642040-CCGGATGGCAATG-C. GRCh37 (hg19) VCF-style: chrX-18660160-CCGGATGGCAATG-C.
Other names: c.2714-3962_2714-3951del (NM_003159.3, NM_001037343.2).
Identifiers: ClinVar variation 4717745 (VCV004717745.1).

ClinVar aggregate classification (germline): Pathogenic (1 of 4 stars; one submission).

Submission:

Labcorp Genetics (formerly Invitae), Labcorp
Classification: Pathogenic. Last evaluated: 2025-04-17. Review status: criteria provided, single submitter. Criteria: Invitae Variant Classification Sherloc (09022015). Collection method: clinical testing. Allele origin: germline.
Comment: This variant, c.627_638del, results in the deletion of 4 amino acid(s) of the RS1 protein (p.Ile210_Arg213del), but otherwise preserves the integrity of the reading frame. This variant is not present in population databases (gnomAD no frequency). This variant has not been reported in the literature in individuals affected with RS1-related conditions. This variant disrupts a region of the RS1 protein in which other variant(s) (p.Arg213Trp) have been determined to be pathogenic (PMID: 9618178, 12417531, 17515881, 19390641, 20061330, 20806044, 20809529). This suggests that this is a clinically significant region of the protein, and that variants that disrupt it are likely to be disease-causing. For these reasons, this variant has been classified as Pathogenic.

Literature cited by the submitters: PubMed 9618178; PubMed 12417531; PubMed 17515881; PubMed 19390641; PubMed 20061330; PubMed 20806044; PubMed 20809529.